The following is an entry in ClinVar:

NM_001429.4(EP300):c.2242-8T>C

Gene: EP300 (EP300 lysine acetyltransferase; plus strand). Cytogenetic location: 22q13.2.
Variant type: single nucleotide variant.
Coding change: c.2242-8T>C on transcript NM_001429.4 (MANE Select); 8 bases into the intron before coding-DNA position 2242, T replaced by C.
Molecular consequence: intron variant.
Genome position (GRCh38, 1-based): chr22:41,149,030, T>C. VCF-style: chr22-41149030-T-C. GRCh37 (hg19) VCF-style: chr22-41545034-T-C.
Other names: c.2164-8T>C (NM_001362843.2).
Identifiers: ClinVar variation 288269 (VCV000288269.10), dbSNP rs199931034, ClinGen allele CA10252814.

ClinVar aggregate classification (germline): Benign/Likely benign. Review status: criteria provided, multiple submitters, no conflicts (2 of 4 stars). 5 submissions from 5 submitters: Benign (1); Likely benign (3). 1 of the submissions does not count toward it. Last evaluated 2024-08-15.

Conditions:
Rubinstein-Taybi syndrome due to EP300 haploinsufficiency. Also called: EP300-Related Rubinstein-Taybi Syndrome; RUBINSTEIN-TAYBI SYNDROME 2. Identifiers: Orphanet 353284, Orphanet 783, MedGen C3150941, MONDO:0013364, OMIM 613684.
EP300-related disorder. Also called: EP300-related condition; EP300-related disorders.

Allele frequency attached by ClinVar (database versions not stated): TOPMed 0.00002; gnomAD exomes 0.00011 and 0.00023; 1000 Genomes Project 30x 0.00016; gnomAD 0.00017 and 0.00018; 1000 Genomes Project 0.00020; ExAC 0.00030.
gnomAD v4.1: 197 of 1,613,766 alleles (0.012%); highest among the groups gnomAD compares: Non-Finnish European, 0.0019%; no homozygotes.

Submissions (5):

Blueprint Genetics
Classification: Likely benign. Last evaluated: 2024-08-15. Review status: criteria provided, single submitter. Criteria: ACMG Guidelines, 2015. Collection method: clinical testing. Allele origin: germline.

Labcorp Genetics (formerly Invitae), Labcorp
Classification: Benign for Rubinstein-Taybi syndrome due to EP300 haploinsufficiency. Last evaluated: 2024-08-12. Review status: criteria provided, single submitter. Criteria: Invitae Variant Classification Sherloc (09022015). Collection method: clinical testing. Allele origin: germline.

GeneDx
Classification: Likely benign. Last evaluated: 2018-03-26. Review status: criteria provided, single submitter. Criteria: GeneDx Variant Classification (06012015). Collection method: clinical testing. Allele origin: germline. Affected: yes.
Comment: This variant is considered likely benign or benign based on one or more of the following criteria: it is a conservative change, it occurs at a poorly conserved position in the protein, it is predicted to be benign by multiple in silico algorithms, and/or has population frequency not consistent with disease.

Eurofins Ntd Llc (ga)
Classification: Likely benign. Last evaluated: 2016-05-25. Review status: criteria provided, single submitter. Criteria: EGL Classification Definitions 2015. Collection method: clinical testing. Allele origin: germline. Observed: 1 variant allele, 1 heterozygote.

PreventionGenetics, part of Exact Sciences
Classification: Likely benign for EP300-related condition. Last evaluated: 2021-11-10. Review status: no assertion criteria provided. Collection method: clinical testing. Allele origin: germline. Not counted in ClinVar's aggregate classification.
Comment: This variant is classified as likely benign based on ACMG/AMP sequence variant interpretation guidelines (Richards et al. 2015 PMID: 25741868, with internal and published modifications).